The following is an entry in ClinVar:

ClinVar aggregate classification (germline): Uncertain significance (1 of 4 stars; one submission).

Conditions:
Inborn genetic diseases. Identifiers: MedGen C0950123, MeSH D030342.

gnomAD v4.1: 1 of 1,614,050 alleles (0.000062%); highest among the groups gnomAD compares: Non-Finnish European, 0.000085%; no homozygotes.

Submission:

Ambry Genetics
Classification: Uncertain significance for Inborn genetic diseases. Last evaluated: 2026-04-18. Review status: criteria provided, single submitter. Criteria: Ambry Variant Classification Scheme 2023. Collection method: clinical testing. Allele origin: germline.
Comment: The p.I78S variant (also known as c.233T>G), located in coding exon 3 of the FANCA gene, results from a T to G substitution at nucleotide position 233. The isoleucine at codon 78 is replaced by serine, an amino acid with dissimilar properties. This amino acid position is conserved. In addition, this alteration is predicted to be tolerated by in silico analysis. Based on the available evidence, the clinical significance of this variant remains unclear.

NM_000135.4(FANCA):c.233T>G (p.Ile78Ser)

Gene: FANCA (FA complementation group A; minus strand). Cytogenetic location: 16q24.3.
Variant type: single nucleotide variant.
Coding change: c.233T>G on transcript NM_000135.4 (MANE Select); coding-DNA position 233, T replaced by G.
Protein change: p.Ile78Ser; replaces isoleucine 78 with serine.
Molecular consequence: missense variant.
Genome position (GRCh38, 1-based): chr16:89,814,570, A>C on the plus strand (T>G on the coding strand, the complement: FANCA is on the minus strand). VCF-style: chr16-89814570-A-C. GRCh37 (hg19) VCF-style: chr16-89880978-A-C.
Other names: c.233T>G, p.Ile78Ser (NM_001018112.3, NM_001286167.3, NM_001351830.2); short protein forms I78S.
Identifiers: ClinVar variation 4870841 (VCV004870841.1).
Genomic context (GRCh38, chr16:89,814,570, plus strand): 5'-TATAACTTACCTATAAATGAACTAGAATGATTAGCATAGGCCTCAGAACTGTCACAGTCA[A>C]TCACTTTGCTGAGAGACAATTTTTTACACAGTGGACCTTCTACCTAGAATCCAAAACACA-3'
Protein context (NP_000126.2, residues 68-88): LCKKLSLSKV[Ile78Ser]DCDSSEAYAN